The following is an entry in ClinVar:

ClinVar aggregate classification (germline): Uncertain significance (1 of 4 stars; one submission).

gnomAD v4.1: 3 of 1,603,860 alleles (0.00019%); highest among the groups gnomAD compares: Admixed American, 0.0051%; no homozygotes.

Submission:

Women's Health and Genetics/Laboratory Corporation of America, LabCorp
Classification: Uncertain significance. Last evaluated: 2025-02-06. Review status: criteria provided, single submitter. Criteria: LabCorp Variant Classification Summary - May 2015. Collection method: clinical testing. Allele origin: germline.
Comment: Variant summary: ANKRD17 c.1330-6C>T alters a conserved nucleotide located close to a canonical splice site and therefore could affect mRNA splicing, leading to a significantly altered protein sequence. Consensus agreement among computation tools predict no significant impact on normal splicing. However, these predictions have yet to be confirmed by functional studies. The variant allele was found at a frequency of 4.1e-06 in 242310 control chromosomes. The available data on variant occurrences in the general population are insufficient to allow any conclusion about variant significance. To our knowledge, no occurrence of c.1330-6C>T in individuals affected with Chopra-Amiel Syndrome and no experimental evidence demonstrating its impact on protein function have been reported. No submitters have cited clinical-significance assessments for this variant to ClinVar. Based on the evidence outlined above, the variant was classified as uncertain significance.

NM_032217.5(ANKRD17):c.1330-6C>T

Gene: ANKRD17 (ankyrin repeat domain 17; minus strand). Cytogenetic location: 4q13.3.
Variant type: single nucleotide variant.
Coding change: c.1330-6C>T on transcript NM_032217.5 (MANE Select); 6 bases into the intron before coding-DNA position 1330, C replaced by T.
Molecular consequence: intron variant.
Genome position (GRCh38, 1-based): chr4:73,149,056, G>A on the plus strand (C>T on the coding strand, the complement: ANKRD17 is on the minus strand). VCF-style: chr4-73149056-G-A. GRCh37 (hg19) VCF-style: chr4-74014773-G-A.
Other names: c.1330-6C>T (NM_198889.3, NM_015574.2); c.991-6C>T (NM_001286771.3).
Identifiers: ClinVar variation 3768715 (VCV003768715.1).